The following is an entry in ClinVar:

NM_000051.4(ATM):c.2238C>T (p.Phe746=)

Gene: ATM (ATM serine/threonine kinase; plus strand). Cytogenetic location: 11q22.3.
Variant type: single nucleotide variant.
Coding change: c.2238C>T on transcript NM_000051.4 (MANE Select); coding-DNA position 2238, C replaced by T.
Protein change: p.Phe746=; no amino-acid change (phenylalanine 746 retained).
Molecular consequence: synonymous variant.
Genome position (GRCh38, 1-based): chr11:108,256,328, C>T. VCF-style: chr11-108256328-C-T. GRCh37 (hg19) VCF-style: chr11-108127055-C-T.
Other names: c.2238C>T, p.Phe746= (NM_001351834.2).
Identifiers: ClinVar variation 187260 (VCV000187260.20), dbSNP rs786203595, ClinGen allele CA197170.

ClinVar aggregate classification (germline): Benign/Likely benign. Review status: criteria provided, multiple submitters, no conflicts (2 of 4 stars). 6 submissions from 6 submitters: Benign (1); Likely benign (5). Last evaluated 2026-01-26.

Conditions:
Hereditary cancer-predisposing syndrome. Also called: Hereditary Cancer Syndrome; Neoplastic Syndromes, Hereditary; Tumor predisposition; Hereditary neoplastic syndrome. Identifiers: Orphanet 140162, MedGen C0027672, MeSH D009386, MONDO:0015356.
Ataxia-telangiectasia syndrome (AT). Also called: Ataxia-telangiectasia, complementation group D; AT, COMPLEMENTATION GROUP C; ATAXIA-TELANGIECTASIA, COMPLEMENTATION GROUP A; ATAXIA-TELANGIECTASIA, FRESNO VARIANT; Ataxia-telangiectasia; LOUIS-BAR SYNDROME. Identifiers: Orphanet 100, MedGen C0004135, MONDO:0008840, OMIM 208900.
Familial cancer of breast. Also called: BREAST CANCER, FAMILIAL; Hereditary breast cancer; hereditary breast carcinoma. Identifiers: Orphanet 227535, MedGen C0346153, MONDO:0016419, OMIM 114480. Disease mechanism: loss of function.

Allele frequency attached by ClinVar (database versions not stated): gnomAD exomes below 0.00001 and 0.00001; TOPMed 0.00001.
gnomAD v4.1: 6 of 1,609,738 alleles (0.00037%); highest among the groups gnomAD compares: Non-Finnish European, 0.00042%; no homozygotes.

Submissions (6):

Labcorp Genetics (formerly Invitae), Labcorp
Classification: Likely benign for Ataxia-telangiectasia syndrome. Last evaluated: 2026-01-26. Review status: criteria provided, single submitter. Criteria: Invitae Variant Classification Sherloc (09022015). Collection method: clinical testing. Allele origin: germline.

Myriad Genetics, Inc.
Classification: Benign for Familial cancer of breast. Last evaluated: 2024-05-07. Review status: criteria provided, single submitter. Criteria: Myriad Autosomal Dominant, Autosomal Recessive and X-Linked Classification Criteria (2023). Collection method: clinical testing. Allele origin: unknown.
Comment: This variant is considered benign. This variant is a silent/synonymous amino acid change and it is not expected to impact splicing.

Women's Health and Genetics/Laboratory Corporation of America, LabCorp
Classification: Likely benign. Last evaluated: 2019-08-21. Review status: criteria provided, single submitter. Criteria: LabCorp Variant Classification Summary - May 2015. Collection method: clinical testing. Allele origin: germline.

GeneDx
Classification: Likely benign. Last evaluated: 2018-09-13. Review status: criteria provided, single submitter. Criteria: GeneDx Variant Classification Process June 2021. Collection method: clinical testing. Allele origin: germline. Affected: yes.

Color Diagnostics, LLC DBA Color Health
Classification: Likely benign for Hereditary cancer-predisposing syndrome. Last evaluated: 2018-04-30. Review status: criteria provided, single submitter. Criteria: ACMG Guidelines, 2015. Collection method: clinical testing. Allele origin: germline.

Ambry Genetics
Classification: Likely benign for Hereditary cancer-predisposing syndrome. Last evaluated: 2014-11-27. Review status: criteria provided, single submitter. Criteria: Ambry Variant Classification Scheme 2023. Collection method: clinical testing. Allele origin: germline.